The following is an entry in ClinVar:

ClinVar aggregate classification (germline): Likely pathogenic. Review status: reviewed by expert panel (3 of 4 stars). 5 submissions from 5 submitters: Likely pathogenic (1). 4 of the submissions do not count toward it. Last evaluated 2023-02-18.

Conditions:
Hepatocellular carcinoma (HCC). Also called: Primary carcinoma of liver; HEPATOMA; LIVER CELL CARCINOMA. Identifiers: Orphanet 88673, MedGen C2239176, MONDO:0007256, OMIM 114550, HP:0001402.
Colorectal cancer. Also called: Malignant Colorectal Neoplasm; Colorectal cancer, somatic. Identifiers: MedGen C0346629, MONDO:0005575, OMIM 114500.
Familial adenomatous polyposis 1 (FAP1). Also called: FAMILIAL ADENOMATOUS POLYPOSIS 1, ATTENUATED; POLYPOSIS, ADENOMATOUS INTESTINAL. Identifiers: MedGen C2713442, MONDO:0021056, OMIM 175100. Disease mechanism: loss of function.
Gastric adenocarcinoma and proximal polyposis of the stomach (GAPPS). Also called: Polyposis, gastric, Dos Santos and de Magalhaes 1980; Gastric Adenocarcinoma and Proximal Polyposis of the Stomach (GAPPS); POLYPOSIS, GASTRIC. Identifiers: Orphanet 314022, MedGen C4749917, MONDO:0017790, OMIM 619182.
Desmoid disease, hereditary (DESMD). Also called: FIBROMATOSIS, FAMILIAL INFILTRATIVE. Identifiers: Orphanet 873, MedGen C1851124, OMIM 135290. Disease mechanism: loss of function.
Gastric cancer. Also called: Stomach cancer; Malignant tumor of stomach. Identifiers: MedGen C0024623, MeSH D013274, MONDO:0001056, OMIM 613659, HP:0012126.
Hereditary cancer-predisposing syndrome. Also called: Neoplastic Syndromes, Hereditary; Tumor predisposition; Hereditary Cancer Syndrome; Hereditary neoplastic syndrome. Identifiers: Orphanet 140162, MedGen C0027672, MeSH D009386, MONDO:0015356.

Submissions (5):

ClinGen InSiGHT Hereditary Colorectal Cancer/Polyposis Variant Curation Expert Panel
Classification: Likely pathogenic for Familial adenomatous polyposis 1. Last evaluated: 2023-02-18. Review status: reviewed by expert panel. Criteria: ClinGen InSiGHT HCCP VCEP ACMG Specifications APC V1. Collection method: curation. Allele origin: germline. Inheritance: Autosomal dominant inheritance.
Comment: The c.423-11A>G variant in APC is an intronic variant which substitutes adenine with guanine at position -11 in intron 4. This variant has been reported in 3 probands meeting phenotypic criteria, resulting in a total phenotype score of 2 (PS4_Moderate, Ambry Genetics, Bonn internal data). RT-PCR of this APC variant in patients with FAP showed that it impacted splicing by leading to insertion of the last 10 bp of intron 4 (r.422_423ins423-10_423-1)(p.Ser142Lysfs*3)(PS3_Moderate; PMID21779980, Ambry Genetics, Bonn internal data). The results from 2 in silico splicing predictors indicate that this variant may affect splicing by disrupting the acceptor splice site of intron 4 of APC (PP3). Finally, this variant is absent from gnomAD v2.1.1 (PM2_Supporting). In summary, this variant meets the criteria to be classified as Likely Pathogenic for FAP based on the ACMG/AMP criteria applied, as specified by the ClinGen InSiGHT Hereditary Colorectal Cancer/Polyposis Variant Curation Expert Panel: PS3_Moderate, PS4_Moderate, PP3 and PM2_supporting (VCEP specifications version 1; date of approval 12/12/2022).

Ambry Genetics
Classification: Pathogenic for Hereditary cancer-predisposing syndrome. Last evaluated: 2026-05-13. Review status: criteria provided, single submitter. Criteria: Ambry Variant Classification Scheme 2023. Collection method: clinical testing. Allele origin: germline. Not counted in ClinVar's aggregate classification.
Comment: The c.423-11A>G intronic pathogenic mutation results from an A to G substitution 11 nucleotides upstream from coding exon 4 in the APC gene. This nucleotide position is well conserved on very limited sequence alignment. In silico splice site analysis predicts that this alteration will weaken the native splice acceptor site and will result in the creation or strengthening of a novel splice acceptor site. RNA studies have demonstrated this alteration results in abnormal splicing in the set of samples tested (Ambry internal data). In addition, this alteration has been observed in multiple individuals who have a personal and family history that is consistent with APC-associated disease (Ambry internal data). This variant is considered to be rare based on population cohorts in the Genome Aggregation Database (gnomAD). Based on the majority of available evidence to date, this alteration is interpreted as a disease-causing mutation.

Labcorp Genetics (formerly Invitae), Labcorp
Classification: Pathogenic for Familial adenomatous polyposis 1. Last evaluated: 2025-01-20. Review status: criteria provided, single submitter. Criteria: Invitae Variant Classification Sherloc (09022015). Collection method: clinical testing. Allele origin: germline. Not counted in ClinVar's aggregate classification.
Comment: This sequence change falls in intron 4 of the APC gene. It does not directly change the encoded amino acid sequence of the APC protein. RNA analysis indicates that this variant induces altered splicing and may result in an absent or altered protein product. This variant is not present in population databases (gnomAD no frequency). This variant has been observed in individual(s) with clinical features of familial adenomatous polyposis (PMID: 24599579). ClinVar contains an entry for this variant (Variation ID: 824698). Studies have shown that this variant results in activation of a cryptic splice site, and produces a non-functional protein and/or introduces a premature termination codon (internal data). For these reasons, this variant has been classified as Pathogenic.

Myriad Genetics, Inc.
Classification: Likely pathogenic for Familial adenomatous polyposis 1. Last evaluated: 2023-04-26. Review status: criteria provided, single submitter. Criteria: Myriad Autosomal Dominant, Autosomal Recessive and X-Linked Classification Criteria (2023). Collection method: clinical testing. Allele origin: unknown. Not counted in ClinVar's aggregate classification.
Comment: This variant is considered likely pathogenic. mRNA analysis has demonstrated abnormal mRNA splicing occurs [PMID: 24599579].

Department of Pathology and Laboratory Medicine, Sinai Health System
Classification: Likely pathogenic for Colorectal cancer; Hepatocellular carcinoma; Desmoid disease, hereditary; Familial adenomatous polyposis 1; Gastric cancer; Gastric adenocarcinoma and proximal polyposis of the stomach. Review status: criteria provided, single submitter. Criteria: ACMG Guidelines, 2015. Collection method: clinical testing. Allele origin: germline. Not counted in ClinVar's aggregate classification.

Literature cited by the submitters: PubMed 15459959 (cited by Ambry Genetics); PubMed 24599579 (cited by 3 submitters).

NM_000038.6(APC):c.423-11A>G

Gene: APC (APC regulator of Wnt signaling pathway; plus strand). Cytogenetic location: 5q22.2.
Variant type: single nucleotide variant.
Coding change: c.423-11A>G on transcript NM_000038.6 (MANE Select); 11 bases into the intron before coding-DNA position 423, A replaced by G.
Molecular consequence: intron variant.
Genome position (GRCh38, 1-based): chr5:112,775,618, A>G. VCF-style: chr5-112775618-A-G. GRCh37 (hg19) VCF-style: chr5-112111315-A-G.
Other names: c.423-11A>G (NM_001354895.2, NM_001127510.3, NM_001354896.2 and 2 more transcripts); c.453-11A>G (NM_001354897.2, NM_001354902.2, NM_001127511.3); c.348-11A>G (NM_001354898.2, NM_001354904.2); c.-613-11A>G (NM_001354906.2); c.246-11A>G (NM_001354900.2, NM_001354901.2, NM_001354905.2).
Identifiers: ClinVar variation 824698 (VCV000824698.12), dbSNP rs1580358224, ClinGen allele CA915943443.